The following is an entry in ClinVar:

ClinVar aggregate classification (germline): Likely benign. Review status: criteria provided, multiple submitters, no conflicts (2 of 4 stars). 5 submissions from 5 submitters: Likely benign (5). Last evaluated 2026-01-21.

Conditions:
Charcot-Marie-Tooth disease axonal type 2O. Also called: CHARCOT-MARIE-TOOTH NEUROPATHY, AXONAL, TYPE 2O; CHARCOT-MARIE-TOOTH DISEASE, AXONAL, AUTOSOMAL DOMINANT, TYPE 2O; Charcot-Marie-Tooth Neuropathy Type 2O; Charcot-Marie-Tooth disease, axonal, type 20. Identifiers: Orphanet 284232, MedGen C3280220, MONDO:0013644, OMIM 614228.
Inborn genetic diseases. Identifiers: MedGen C0950123, MeSH D030342.

Allele frequency attached by ClinVar (database versions not stated): gnomAD exomes 0.00001 and 0.00002; ExAC 0.00002; gnomAD 0.00007; TOPMed 0.00011.
gnomAD v4.1: 30 of 1,614,000 alleles (0.0019%); highest among the groups gnomAD compares: Admixed American, 0.02%; no homozygotes.

Submissions (5):

Labcorp Genetics (formerly Invitae), Labcorp
Classification: Likely benign for Charcot-Marie-Tooth disease axonal type 2O. Last evaluated: 2026-01-21. Review status: criteria provided, single submitter. Criteria: Invitae Variant Classification Sherloc (09022015). Collection method: clinical testing. Allele origin: germline.

Athena Diagnostics
Classification: Likely benign. Last evaluated: 2025-08-26. Review status: criteria provided, single submitter. Criteria: Athena Diagnostics Criteria. Collection method: clinical testing. Allele origin: unknown.
Comment: Computational tools yielded predictions that this variant is unlikely to have an effect on normal RNA splicing. This nucleotide position exhibits low evolutionary conservation.

Blueprint Genetics
Classification: Likely benign. Last evaluated: 2022-05-19. Review status: criteria provided, single submitter. Criteria: ACMG Guidelines, 2015. Collection method: clinical testing. Allele origin: germline.

Ambry Genetics
Classification: Likely benign for Inborn genetic diseases. Last evaluated: 2016-04-13. Review status: criteria provided, single submitter. Criteria: Ambry Variant Classification Scheme 2023. Collection method: clinical testing. Allele origin: germline.

GeneDx
Classification: Likely benign. Last evaluated: 2016-02-08. Review status: criteria provided, single submitter. Criteria: GeneDx Variant Classification (06012015). Collection method: clinical testing. Allele origin: germline. Affected: yes.
Comment: This variant is considered likely benign or benign based on one or more of the following criteria: it is a conservative change, it occurs at a poorly conserved position in the protein, it is predicted to be benign by multiple in silico algorithms, and/or has population frequency not consistent with disease.

NM_001376.5(DYNC1H1):c.2160C>T (p.Ile720=)

Gene: DYNC1H1 (dynein cytoplasmic 1 heavy chain 1; plus strand). Cytogenetic location: 14q32.31.
Variant type: single nucleotide variant.
Coding change: c.2160C>T on transcript NM_001376.5 (MANE Select); coding-DNA position 2160, C replaced by T.
Protein change: p.Ile720=; no amino-acid change (isoleucine 720 retained).
Molecular consequence: synonymous variant.
Genome position (GRCh38, 1-based): chr14:101,986,385, C>T. VCF-style: chr14-101986385-C-T. GRCh37 (hg19) VCF-style: chr14-102452722-C-T.
Identifiers: ClinVar variation 383592 (VCV000383592.18), dbSNP rs763236829, ClinGen allele CA7351778.